The following is an entry in ClinVar:

ClinVar aggregate classification (germline): Uncertain significance (1 of 4 stars; one submission).

Conditions:
Hereditary cancer-predisposing syndrome. Also called: Tumor predisposition; Neoplastic Syndromes, Hereditary; Hereditary neoplastic syndrome; Hereditary Cancer Syndrome. Identifiers: Orphanet 140162, MedGen C0027672, MeSH D009386, MONDO:0015356.

gnomAD v4.1: 2 of 1,614,068 alleles (0.00012%); highest among the groups gnomAD compares: Non-Finnish European, 0.00017%; no homozygotes.

Submission:

Ambry Genetics
Classification: Uncertain significance for Hereditary cancer-predisposing syndrome. Last evaluated: 2024-06-25. Review status: criteria provided, single submitter. Criteria: Ambry Variant Classification Scheme 2023. Collection method: clinical testing. Allele origin: germline.
Comment: The p.K554T variant (also known as c.1661A>C), located in coding exon 5 of the AXIN2 gene, results from an A to C substitution at nucleotide position 1661. The lysine at codon 554 is replaced by threonine, an amino acid with similar properties. This amino acid position is conserved. In addition, this alteration is predicted to be tolerated by in silico analysis. Based on the available evidence, the clinical significance of this variant remains unclear.

NM_004655.4(AXIN2):c.1661A>C (p.Lys554Thr)

Gene: AXIN2 (axin 2; minus strand). Cytogenetic location: 17q24.1.
Variant type: single nucleotide variant.
Coding change: c.1661A>C on transcript NM_004655.4 (MANE Select); coding-DNA position 1661, A replaced by C.
Protein change: p.Lys554Thr; replaces lysine 554 with threonine.
Molecular consequence: missense variant.
Genome position (GRCh38, 1-based): chr17:65,537,375, T>G on the plus strand (A>C on the coding strand, the complement: AXIN2 is on the minus strand). VCF-style: chr17-65537375-T-G. GRCh37 (hg19) VCF-style: chr17-63533493-T-G.
Other names: c.1661A>C, p.Lys554Thr (NM_001363813.1); short protein forms K554T.
Identifiers: ClinVar variation 3469913 (VCV003469913.1).
Genomic context (GRCh38, chr17:65,537,375, plus strand): 5'-GGCACTTACCCAAACTGCTCGCTGGGCATGGTTTCCGGAGCCTTGGAGTGGCTTTTGCAT[T>G]TCGAGTAGCAGTAATACTCGCTGCCCCCAGGGCAGAAGCAGTGCACCCGCTGCGTGGCCT-3'
Protein context (NP_004646.3, residues 544-564): PGGSEYYCYS[Lys554Thr]CKSHSKAPET